The following is an entry in ClinVar:

NM_001017995.3(SH3PXD2B):c.785+1G>A

Gene: SH3PXD2B (SH3 and PX domains 2B; minus strand). Cytogenetic location: 5q35.1.
Variant type: single nucleotide variant.
Coding change: c.785+1G>A on transcript NM_001017995.3 (MANE Select); the canonical splice donor site of the intron after coding-DNA position 785, G replaced by A.
Molecular consequence: splice donor variant.
Genome position (GRCh38, 1-based): chr5:172,353,887, C>T on the plus strand (G>A on the coding strand, the complement: SH3PXD2B is on the minus strand). VCF-style: chr5-172353887-C-T. GRCh37 (hg19) VCF-style: chr5-171780891-C-T.
Other names: c.785+1G>A (NM_001308175.2).
Identifiers: ClinVar variation 4697218 (VCV004697218.1).

ClinVar aggregate classification (germline): Likely pathogenic (1 of 4 stars; one submission).

gnomAD v4.1: 3 of 1,612,548 alleles (0.00019%); highest among the groups gnomAD compares: Non-Finnish European, 0.00025%; no homozygotes.

Submission:

Labcorp Genetics (formerly Invitae), Labcorp
Classification: Likely pathogenic. Last evaluated: 2025-04-11. Review status: criteria provided, single submitter. Criteria: Invitae Variant Classification Sherloc (09022015). Collection method: clinical testing. Allele origin: germline.
Comment: This sequence change affects a donor splice site in intron 9 of the SH3PXD2B gene. It is expected to disrupt RNA splicing. Variants that disrupt the donor or acceptor splice site typically lead to a loss of protein function (PMID: 16199547), and loss-of-function variants in SH3PXD2B are known to be pathogenic (PMID: 20137777). This variant is not present in population databases (gnomAD no frequency). This variant has not been reported in the literature in individuals affected with SH3PXD2B-related conditions. Algorithms developed to predict the effect of sequence changes on RNA splicing suggest that this variant may disrupt the consensus splice site. In summary, the currently available evidence indicates that the variant is pathogenic, but additional data are needed to prove that conclusively. Therefore, this variant has been classified as Likely Pathogenic.

Literature cited by the submitters: PubMed 16199547; PubMed 20137777.